The following is an entry in ClinVar:

NC_012920.1(MT-TA):m.5610G>A

Gene: MT-TA (mitochondrially encoded tRNA alanine; minus strand).
Variant type: single nucleotide variant.
Genome position: chrM-5610-G-A.
Identifiers: ClinVar variation 162370 (VCV000162370.2), dbSNP rs786200951, ClinGen allele CA274532.
Genomic context (GRCh38, chrMT:5,610, plus strand): 5'-CCCTCAGTAAGTTGCAATACTTAATTTCTGTAACAGCTAAGGACTGCAAAACCCCACTCT[G>A]CATCAACTGAACGCAAATCAGCCACTTTAATTAAGCTAAGCCCTTACTAGACCAATGGGA-3'

ClinVar aggregate classification (germline): Uncertain significance. Review status: reviewed by expert panel (3 of 4 stars). 2 submissions from 2 submitters: Uncertain significance (1). 1 of the submissions does not count toward it. Last evaluated 2024-02-12.

Conditions:
Mitochondrial disease. Also called: Mitochondrial disorder; Mitochondrial disorders. Identifiers: Orphanet 68380, MedGen C0751651, MeSH D028361, MONDO:0044970.
Inborn mitochondrial myopathy. Also called: Mitochondrial myopathy; Mitochondrial Myopathies. Identifiers: Orphanet 206966, MedGen C0162670, MONDO:0009637, HP:0003737.

Submissions (2):

ClinGen Mitochondrial Disease Nuclear and Mitochondrial  Variant Curation Expert Panel, ClinGen
Classification: Uncertain significance for Mitochondrial disease. Last evaluated: 2024-02-12. Review status: reviewed by expert panel. Criteria: clingen mito disease acmg specifications v1-1. Collection method: curation. Allele origin: germline. Inheritance: Mitochondrial inheritance.
Comment: Ragged red fibers and COX-negative fibers were noted on muscle biopsy. The variant was present at 91% heteroplasmy in muscle and 87% heteroplasmy in blood (PMID: 25873012). There are no reported de novo occurrences of this variant to our knowledge. This variant is absent in the GenBank dataset, Helix dataset, and gnomAD v3.1.2 (PM2_supporting). Single fiber testing showed higher levels of the variant in COX-negative fibers (98%; n=20) than in COX-positive fibers (78%; n=21, P = 0.0002; PS3_supporting, PMID: 25873012). Additionally, studies have shown decreased steady-state levels of tRNA Alanine in muscle from the proband (PMID: 25873012). Computational predictors are discordant as MitoTIP suggests this variant is benign (38.7 percentile) and HmtVAR predicts it to be pathogenic (0.55). Of note, this variant is highly conserved among primates at 83%. In summary, this variant meets criteria to be classified as uncertain significance for primary mitochondrial disease inherited in a mitochondrial manner. This classification was approved by the NICHD/NINDS U24 ClinGen Mitochondrial Disease Variant Curation Expert Panel on February 12, 2024. Mitochondrial DNA-specific ACMG/AMP criteria applied (PMID: 32906214): PP1, PM2_supporting, PS3_supporting.

Mitochondrial Research Group, Newcastle University
Classification: Pathogenic for Mitochondrial myopathy. Last evaluated: 2014-12-15. Review status: no assertion criteria provided. Collection method: clinical testing. Allele origin: maternal. Affected: yes. Not counted in ClinVar's aggregate classification.

Literature cited by the submitters: PubMed 25873012 (cited by Mitochondrial Research Group, Newcastle University).